The following is an entry in ClinVar:

NM_005993.5(TBCD):c.3424G>A (p.Val1142Ile)

Gene: TBCD (tubulin folding cofactor D). Cytogenetic location: 17q25.3.
Variant type: single nucleotide variant.
Coding change: c.3424G>A on transcript NM_005993.5 (MANE Select); coding-DNA position 3424, G replaced by A.
Protein change: p.Val1142Ile; replaces valine 1142 with isoleucine.
Molecular consequence: missense variant.
Genome position (GRCh38, 1-based): chr17:82,939,421, G>A. VCF-style: chr17-82939421-G-A. GRCh37 (hg19) VCF-style: chr17-80897297-G-A.
Other names: c.3373G>A, p.Val1125Ile (NM_001411101.1); c.3343G>A, p.Val1115Ile (NM_001411102.1); short protein forms V1125I, V1115I, V1142I.
Identifiers: ClinVar variation 2085532 (VCV002085532.3), dbSNP rs757618357, ClinGen allele CA8863625.
Genomic context (GRCh38, chr17:82,939,421, plus strand): 5'-TCCCAGATCCGGAAGACCACGGCCAGCCAGGTGTACGAGACATTGCTCACCTACAGTGAC[G>A]TCGTGGGCGCGGATGTGCTGGACGAGGTGGTGACTGTGCTCAGTGACACTGCGTGGTGAG-3'
Protein context (NP_005984.3, residues 1132-1152): VYETLLTYSD[Val1142Ile]VGADVLDEVV

ClinVar aggregate classification (germline): Uncertain significance. Review status: criteria provided, multiple submitters, no conflicts (2 of 4 stars). 2 submissions from 2 submitters: Uncertain significance (2). Last evaluated 2024-10-29.

Conditions:
Inborn genetic diseases. Identifiers: MedGen C0950123, MeSH D030342.

Allele frequency attached by ClinVar (database versions not stated): ExAC 0.00001; gnomAD 0.00001; TOPMed 0.00003.
gnomAD v4.1: 55 of 1,613,508 alleles (0.0034%); highest among the groups gnomAD compares: Middle Eastern, 0.016%; no homozygotes.

Submissions (2):

Labcorp Genetics (formerly Invitae), Labcorp
Classification: Uncertain significance. Last evaluated: 2024-10-29. Review status: criteria provided, single submitter. Criteria: Invitae Variant Classification Sherloc (09022015). Collection method: clinical testing. Allele origin: germline.
Comment: This sequence change replaces valine, which is neutral and non-polar, with isoleucine, which is neutral and non-polar, at codon 1142 of the TBCD protein (p.Val1142Ile). This variant is present in population databases (rs757618357, gnomAD 0.004%). This variant has not been reported in the literature in individuals affected with TBCD-related conditions. ClinVar contains an entry for this variant (Variation ID: 2085532). Invitae Evidence Modeling of protein sequence and biophysical properties (such as structural, functional, and spatial information, amino acid conservation, physicochemical variation, residue mobility, and thermodynamic stability) indicates that this missense variant is not expected to disrupt TBCD protein function with a negative predictive value of 95%. In summary, the available evidence is currently insufficient to determine the role of this variant in disease. Therefore, it has been classified as a Variant of Uncertain Significance.

Ambry Genetics
Classification: Uncertain significance for Inborn genetic diseases. Last evaluated: 2022-01-18. Review status: criteria provided, single submitter. Criteria: Ambry Variant Classification Scheme 2023. Collection method: clinical testing. Allele origin: germline.